The following is an entry in ClinVar:

ClinVar aggregate classification (germline): Likely benign. Review status: criteria provided, multiple submitters, no conflicts (2 of 4 stars). 3 submissions from 3 submitters: Likely benign (3). Last evaluated 2025-08-11.

Conditions:
Inborn genetic diseases. Identifiers: MedGen C0950123, MeSH D030342.

Allele frequency attached by ClinVar (database versions not stated): gnomAD exomes 0.00001; ESP Exome Variant Server 0.00015.
gnomAD v4.1: 26 of 1,613,982 alleles (0.0016%); highest among the groups gnomAD compares: African/African-American, 0.02%; no homozygotes.

Submissions (3):

Labcorp Genetics (formerly Invitae), Labcorp
Classification: Likely benign. Last evaluated: 2025-08-11. Review status: criteria provided, single submitter. Criteria: Invitae Variant Classification Sherloc (09022015). Collection method: clinical testing. Allele origin: germline.

CeGaT Center for Human Genetics Tuebingen
Classification: Likely benign. Last evaluated: 2024-03-01. Review status: criteria provided, single submitter. Criteria: CeGaT Center For Human Genetics Tuebingen Variant Classification Criteria Version 2. Collection method: clinical testing. Allele origin: germline. Affected: yes. Observed: 2 variant alleles.
Comment: MRAS: BP4, BP7

Ambry Genetics
Classification: Likely benign for Inborn genetic diseases. Last evaluated: 2019-09-11. Review status: criteria provided, single submitter. Criteria: Ambry Variant Classification Scheme 2023. Collection method: clinical testing. Allele origin: germline.

NM_001085049.3(MRAS):c.336C>T (p.Arg112=)

Gene: MRAS (muscle RAS oncogene homolog; plus strand). Cytogenetic location: 3q22.3.
Variant type: single nucleotide variant.
Coding change: c.336C>T on transcript NM_001085049.3 (MANE Select); coding-DNA position 336, C replaced by T.
Protein change: p.Arg112=; no amino-acid change (arginine 112 retained).
Molecular consequence: synonymous variant.
Genome position (GRCh38, 1-based): chr3:138,397,466, C>T. VCF-style: chr3-138397466-C-T. GRCh37 (hg19) VCF-style: chr3-138116308-C-T.
Other names: c.336C>T, p.Arg112= (NM_001252090.2, NM_012219.4); c.108C>T, p.Arg36= (NM_001252091.1, NM_001252092.2, NM_001252093.2).
Identifiers: ClinVar variation 1730710 (VCV001730710.31), dbSNP rs139032711, ClinGen allele CA2636980.